The following is an entry in ClinVar:

NM_021830.5(TWNK):c.1860del (p.Glu620fs)

Gene: TWNK (twinkle mtDNA helicase; plus strand). Cytogenetic location: 10q24.31.
Variant type: Deletion.
Coding change: c.1860del on transcript NM_021830.5 (MANE Select); coding-DNA position 1860, one base deleted (G; older notation c.1860delG).
Protein change: p.Glu620fs; shifts the reading frame from glutamic acid 620.
Molecular consequence: frameshift variant. On other transcripts: 3 prime UTR variant (2), non-coding transcript variant (5).
Genome position (GRCh38, 1-based): chr10:100,993,315, G deleted. VCF-style (leftmost placement, unchanged base first): chr10-100993314-AG-A. GRCh37 (hg19) VCF-style: chr10-102753071-AG-A.
Other names: c.*155del (NM_001163812.2, NM_001163814.2); c.498del, p.Glu166fs (NM_001163813.2, NM_001368275.1); short protein forms E166fs, E620fs.
Identifiers: ClinVar variation 3690016 (VCV003690016.2).

ClinVar aggregate classification (germline): Uncertain significance (1 of 4 stars; one submission).

Submission:

Labcorp Genetics (formerly Invitae), Labcorp
Classification: Uncertain significance. Last evaluated: 2024-11-17. Review status: criteria provided, single submitter. Criteria: Invitae Variant Classification Sherloc (09022015). Collection method: clinical testing. Allele origin: germline.
Comment: This sequence change results in a frameshift in the TWNK gene (p.Glu620Aspfs*80). While this is not anticipated to result in nonsense mediated decay, it is expected to disrupt the last 65 amino acid(s) of the TWNK protein and extend the protein by 14 additional amino acid residues. This variant is not present in population databases (gnomAD no frequency). This variant has not been reported in the literature in individuals affected with TWNK-related conditions. Experimental studies and prediction algorithms are not available or were not evaluated, and the functional significance of this variant is currently unknown. Algorithms developed to predict the effect of sequence changes on RNA splicing suggest that this variant may create or strengthen a splice site. In summary, the available evidence is currently insufficient to determine the role of this variant in disease. Therefore, it has been classified as a Variant of Uncertain Significance.